The following is an entry in ClinVar:

NM_001048174.2(MUTYH):c.506T>A (p.Leu169Gln)

Gene: MUTYH (mutY DNA glycosylase; minus strand). Cytogenetic location: 1p34.1.
Variant type: single nucleotide variant.
Coding change: c.506T>A on transcript NM_001048174.2 (MANE Select); coding-DNA position 506, T replaced by A.
Protein change: p.Leu169Gln; replaces leucine 169 with glutamine.
Molecular consequence: missense variant. On other transcripts: non-coding transcript variant (7).
Genome position (GRCh38, 1-based): chr1:45,332,674, A>T on the plus strand (T>A on the coding strand, the complement: MUTYH is on the minus strand). VCF-style: chr1-45332674-A-T. GRCh37 (hg19) VCF-style: chr1-45798346-A-T.
Other names: c.506T>A, p.Leu169Gln (NM_001048171.2, NM_001048173.2, NM_001293195.2 and 6 more transcripts); c.509T>A, p.Leu170Gln (NM_001048172.2, NM_001407071.1, NM_001407078.1 and 1 more transcripts); c.590T>A, p.Leu197Gln (NM_001128425.2); c.551T>A, p.Leu184Gln (NM_001293190.2); c.539T>A, p.Leu180Gln (NM_001293191.2, NM_001407069.1, NM_001407077.1); c.230T>A, p.Leu77Gln (NM_001293192.2, NM_001293196.2, NM_001407091.1); c.161T>A, p.Leu54Gln (NM_001350650.2, NM_001350651.2, NM_001407082.1); c.422T>A, p.Leu141Gln (NM_001407075.1); and 5 more; short protein forms L141Q, L155Q, L170Q, L183Q, L176Q, L197Q, L156Q, L180Q.
Identifiers: ClinVar variation 4113746 (VCV004113746.1).

ClinVar aggregate classification (germline): Uncertain significance (1 of 4 stars; one submission).

Conditions:
Hereditary cancer-predisposing syndrome. Also called: Hereditary neoplastic syndrome; Neoplastic Syndromes, Hereditary; Tumor predisposition; Hereditary Cancer Syndrome. Identifiers: Orphanet 140162, MedGen C0027672, MeSH D009386, MONDO:0015356.

Submission:

Ambry Genetics
Classification: Uncertain significance for Hereditary cancer-predisposing syndrome. Last evaluated: 2025-08-27. Review status: criteria provided, single submitter. Criteria: Ambry Variant Classification Scheme 2023. Collection method: clinical testing. Allele origin: germline.
Comment: The p.L197Q variant (also known as c.590T>A), located in coding exon 8 of the MUTYH gene, results from a T to A substitution at nucleotide position 590. The leucine at codon 197 is replaced by glutamine, an amino acid with dissimilar properties. This amino acid position is conserved. In addition, this alteration is predicted to be deleterious by in silico analysis. Based on the available evidence, the clinical significance of this variant remains unclear.